The following is an entry in ClinVar:

ClinVar aggregate classification (germline): Likely benign. Review status: criteria provided, multiple submitters, no conflicts (2 of 4 stars). 2 submissions from 2 submitters: Likely benign (2). Last evaluated 2025-06-04.

Conditions:
Peutz-Jeghers syndrome (PJS). Also called: Peutz-Jeghers polyposis; Periorificial lentiginosis syndrome; POLYPOSIS, HAMARTOMATOUS INTESTINAL; POLYPS-AND-SPOTS SYNDROME. Identifiers: Orphanet 2869, MedGen C0031269, MeSH D010580, MONDO:0008280, OMIM 175200.

Submissions (2):

Labcorp Genetics (formerly Invitae), Labcorp
Classification: Likely benign for Peutz-Jeghers syndrome. Last evaluated: 2025-06-04. Review status: criteria provided, single submitter. Criteria: Invitae Variant Classification Sherloc (09022015). Collection method: clinical testing. Allele origin: germline.

Myriad Genetics, Inc.
Classification: Likely benign for Peutz-Jeghers syndrome. Last evaluated: 2025-03-28. Review status: criteria provided, single submitter. Criteria: Myriad Autosomal Dominant, Autosomal Recessive and X-Linked Classification Criteria (2023). Collection method: clinical testing. Allele origin: unknown.
Comment: This variant is considered likely benign. This variant is intronic and is not expected to impact mRNA splicing.

NM_000455.5(STK11):c.920+10C>T

Gene: STK11 (serine/threonine kinase 11; plus strand). Cytogenetic location: 19p13.3.
Variant type: single nucleotide variant.
Coding change: c.920+10C>T on transcript NM_000455.5 (MANE Select); 10 bases into the intron after coding-DNA position 920, C replaced by T.
Molecular consequence: intron variant.
Genome position (GRCh38, 1-based): chr19:1,222,016, C>T. VCF-style: chr19-1222016-C-T. GRCh37 (hg19) VCF-style: chr19-1222015-C-T.
Other names: c.920+10C>T (NM_001407255.1).
Identifiers: ClinVar variation 2789239 (VCV002789239.4), dbSNP rs2145428957, ClinGen allele CA2582593833.